The following is an entry in ClinVar:

ClinVar aggregate classification (germline): Uncertain significance (1 of 4 stars; one submission).

Conditions:
Combined oxidative phosphorylation defect type 14. Also called: Combined oxidative phosphorylation deficiency 14. Identifiers: Orphanet 319519, MedGen C4755312, MONDO:0013986, OMIM 614946.

Submission:

Labcorp Genetics (formerly Invitae), Labcorp
Classification: Uncertain significance for Combined oxidative phosphorylation defect type 14. Last evaluated: 2022-07-16. Review status: criteria provided, single submitter. Criteria: Invitae Variant Classification Sherloc (09022015). Collection method: clinical testing. Allele origin: germline.
Comment: This variant has not been reported in the literature in individuals affected with FARS2-related conditions. This sequence change replaces threonine, which is neutral and polar, with serine, which is neutral and polar, at codon 149 of the FARS2 protein (p.Thr149Ser). This variant is not present in population databases (gnomAD no frequency). Advanced modeling of protein sequence and biophysical properties (such as structural, functional, and spatial information, amino acid conservation, physicochemical variation, residue mobility, and thermodynamic stability) performed at Invitae indicates that this missense variant is not expected to disrupt FARS2 protein function. In summary, the available evidence is currently insufficient to determine the role of this variant in disease. Therefore, it has been classified as a Variant of Uncertain Significance.

NM_006567.5(FARS2):c.445A>T (p.Thr149Ser)

Genes: FARS2 (phenylalanyl-tRNA synthetase 2, mitochondrial; plus strand), LOC126859565 (CDK7 strongly-dependent group 2 enhancer GRCh37_chr6:5368745-5369944; plus strand). Cytogenetic location: 6p25.1.
Variant type: single nucleotide variant.
Coding change: c.445A>T on transcript NM_006567.5 (MANE Select); coding-DNA position 445, A replaced by T.
Protein change: p.Thr149Ser; replaces threonine 149 with serine.
Molecular consequence: missense variant. On other transcripts: intron variant (2).
Genome position (GRCh38, 1-based): chr6:5,369,015, A>T. VCF-style: chr6-5369015-A-T. GRCh37 (hg19) VCF-style: chr6-5369248-A-T.
Other names: c.445A>T, p.Thr149Ser (NM_001318872.2, NM_001374875.1, NM_001374876.1 and 5 more transcripts); c.-340-27618A>T (NM_001375260.1); c.-84-35527A>T (NM_001375259.1); short protein forms T149S.
Identifiers: ClinVar variation 2009343 (VCV002009343.4), dbSNP rs2534754174, ClinGen allele CA362735300.